The following is an entry in ClinVar:

ClinVar aggregate classification (germline): Likely pathogenic (1 of 4 stars; one submission).

Submission:

Dasa
Classification: Likely pathogenic. Last evaluated: 2026-04-10. Review status: criteria provided, single submitter. Criteria: DASA Assertion Criteria. Collection method: clinical testing. Allele origin: germline.
Comment: NM_201384.3(PLEC):c.4960C>T (p.Gln1654*) is a nonsense variant in PLEC predicted to introduce a premature termination codon and is predicted to result in an absent or altered protein product. Loss of function is an established disease mechanism for PLEC-associated disorders. Also, this variant is rare in population databases. Based on the currently available evidence, this variant is classified as likely pathogenic.

NM_201384.3(PLEC):c.4960C>T (p.Gln1654Ter)

Gene: PLEC (plectin; minus strand). Cytogenetic location: 8q24.3.
Variant type: single nucleotide variant.
Coding change: c.4960C>T on transcript NM_201384.3 (MANE Select); coding-DNA position 4960, C replaced by T.
Protein change: p.Gln1654Ter; replaces glutamine 1654 with a stop codon.
Molecular consequence: nonsense. On other transcripts: intron variant (1).
Genome position (GRCh38, 1-based): chr8:143,924,969, G>A on the plus strand (C>T on the coding strand, the complement: PLEC is on the minus strand). VCF-style: chr8-143924969-G-A. GRCh37 (hg19) VCF-style: chr8-144999137-G-A.
Other names: c.5041C>T, p.Gln1681Ter (NM_000445.5); c.4918C>T, p.Gln1640Ter (NM_201378.4); c.4894C>T, p.Gln1632Ter (NM_201379.3); c.5371C>T, p.Gln1791Ter (NM_201380.4); c.4864C>T, p.Gln1622Ter (NM_201381.3); c.4960C>T, p.Gln1654Ter (NM_201382.4); c.4972C>T, p.Gln1658Ter (NM_201383.3); c.4125+1815C>T (NM_001410941.1); short protein forms Q1622*, Q1632*, Q1640*, Q1654*, Q1658*, Q1681*, Q1791*.
Identifiers: ClinVar variation 4881448 (VCV004881448.2).